The following is an entry in ClinVar:

ClinVar aggregate classification (germline): Uncertain significance (1 of 4 stars; one submission).

Allele frequency attached by ClinVar (database versions not stated): gnomAD 0.00002; gnomAD exomes 0.00002; ExAC 0.00003; ESP Exome Variant Server 0.00008.
gnomAD v4.1: 29 of 1,596,632 alleles (0.0018%); highest among the groups gnomAD compares: Middle Eastern, 0.017%; no homozygotes.

Submission:

Labcorp Genetics (formerly Invitae), Labcorp
Classification: Uncertain significance. Last evaluated: 2022-08-10. Review status: criteria provided, single submitter. Criteria: Invitae Variant Classification Sherloc (09022015). Collection method: clinical testing. Allele origin: germline.
Comment: This sequence change replaces proline, which is neutral and non-polar, with leucine, which is neutral and non-polar, at codon 566 of the DZIP1L protein (p.Pro566Leu). The frequency data for this variant in the population databases is considered unreliable, as metrics indicate poor data quality at this position in the gnomAD database. This variant has not been reported in the literature in individuals affected with DZIP1L-related conditions. Algorithms developed to predict the effect of missense changes on protein structure and function output the following: SIFT: "Tolerated"; PolyPhen-2: "Benign"; Align-GVGD: "Class C0". The leucine amino acid residue is found in multiple mammalian species, which suggests that this missense change does not adversely affect protein function. In summary, the available evidence is currently insufficient to determine the role of this variant in disease. Therefore, it has been classified as a Variant of Uncertain Significance.

NM_173543.3(DZIP1L):c.1697C>T (p.Pro566Leu)

Gene: DZIP1L (DAZ interacting zinc finger protein 1 like; minus strand). Cytogenetic location: 3q22.3.
Variant type: single nucleotide variant.
Coding change: c.1697C>T on transcript NM_173543.3 (MANE Select); coding-DNA position 1697, C replaced by T.
Protein change: p.Pro566Leu; replaces proline 566 with leucine.
Molecular consequence: missense variant.
Genome position (GRCh38, 1-based): chr3:138,068,286, G>A on the plus strand (C>T on the coding strand, the complement: DZIP1L is on the minus strand). VCF-style: chr3-138068286-G-A. GRCh37 (hg19) VCF-style: chr3-137787128-G-A.
Other names: short protein forms P566L.
Identifiers: ClinVar variation 2417717 (VCV002417717.5), dbSNP rs368560450, ClinGen allele CA2634833.